The following is an entry in ClinVar:

ClinVar aggregate classification (germline): Uncertain significance (1 of 4 stars; one submission).

Conditions:
Cardiovascular phenotype. Identifiers: MedGen CN230736.

Submission:

Ambry Genetics
Classification: Uncertain significance for Cardiovascular phenotype. Last evaluated: 2022-08-07. Review status: criteria provided, single submitter. Criteria: Ambry Variant Classification Scheme 2023. Collection method: clinical testing. Allele origin: germline.
Comment: The p.V1046L variant (also known as c.3136G>C), located in coding exon 22 of the MYH6 gene, results from a G to C substitution at nucleotide position 3136. The valine at codon 1046 is replaced by leucine, an amino acid with highly similar properties. This amino acid position is conserved. In addition, this alteration is predicted to be tolerated by in silico analysis. Since supporting evidence is limited at this time, the clinical significance of this alteration remains unclear.

NM_002471.4(MYH6):c.3136G>C (p.Val1046Leu)

Gene: MYH6 (myosin heavy chain 6; minus strand). Cytogenetic location: 14q11.2.
Variant type: single nucleotide variant.
Coding change: c.3136G>C on transcript NM_002471.4 (MANE Select); coding-DNA position 3136, G replaced by C.
Protein change: p.Val1046Leu; replaces valine 1046 with leucine.
Molecular consequence: missense variant.
Genome position (GRCh38, 1-based): chr14:23,393,027, C>G on the plus strand (G>C on the coding strand, the complement: MYH6 is on the minus strand). VCF-style: chr14-23393027-C-G. GRCh37 (hg19) VCF-style: chr14-23862236-C-G.
Other names: short protein forms V1046L.
Identifiers: ClinVar variation 1728017 (VCV001728017.2), dbSNP rs1891284344, ClinGen allele CA389009689.